The following is an entry in ClinVar:

ClinVar aggregate classification (germline): Pathogenic (1 of 4 stars; one submission).

Conditions:
Peroxisome biogenesis disorder 2B (PBD2B). Identifiers: Orphanet 44, MedGen C3550234, MONDO:0008736, OMIM 202370.

Submission:

Labcorp Genetics (formerly Invitae), Labcorp
Classification: Pathogenic for Peroxisome biogenesis disorder 2B. Last evaluated: 2021-09-30. Review status: criteria provided, single submitter. Criteria: Invitae Variant Classification Sherloc (09022015). Collection method: clinical testing. Allele origin: germline.
Comment: This sequence change creates a premature translational stop signal (p.Trp525*) in the PEX5 gene. It is expected to result in an absent or disrupted protein product. Loss-of-function variants in PEX5 are known to be pathogenic (PMID: 18712838, 21031596). This variant is not present in population databases (ExAC no frequency). This variant has not been reported in the literature in individuals affected with PEX5-related conditions. Algorithms developed to predict the effect of sequence changes on RNA splicing suggest that this variant may create or strengthen a splice site. For these reasons, this variant has been classified as Pathogenic.

Literature cited by the submitters: PubMed 18712838; PubMed 21031596.

NM_001351132.2(PEX5):c.1574G>A (p.Trp525Ter)

Gene: PEX5 (peroxisomal biogenesis factor 5; plus strand). Cytogenetic location: 12p13.31.
Variant type: single nucleotide variant.
Coding change: c.1574G>A on transcript NM_001351132.2 (MANE Select); coding-DNA position 1574, G replaced by A.
Protein change: p.Trp525Ter; replaces tryptophan 525 with a stop codon.
Molecular consequence: nonsense.
Genome position (GRCh38, 1-based): chr12:7,209,696, G>A. VCF-style: chr12-7209696-G-A. GRCh37 (hg19) VCF-style: chr12-7362292-G-A.
Other names: c.1550G>A, p.Trp517Ter (NM_000319.5); c.1619G>A, p.Trp540Ter (NM_001131023.2); c.1463G>A, p.Trp488Ter (NM_001131024.2, NM_001351124.3, NM_001351126.2 and 7 more transcripts); c.1574G>A, p.Trp525Ter (NM_001131025.2, NM_001131026.2, NM_001300789.3 and 4 more transcripts); c.1508G>A, p.Trp503Ter (NM_001351135.3, NM_001351138.2); c.1565G>A, p.Trp522Ter (NM_001351136.2); c.1439G>A, p.Trp480Ter (NM_001351139.2, NM_001351140.2, NM_001374649.2); short protein forms W480*, W522*, W503*, W525*, W540*, W488*, W517*.
Identifiers: ClinVar variation 1418378 (VCV001418378.1), dbSNP rs2136254746, ClinGen allele CA383737698.